The following is an entry in ClinVar:

NM_000256.3(MYBPC3):c.1831G>A (p.Glu611Lys)

Gene: MYBPC3 (myosin binding protein C3; minus strand). Cytogenetic location: 11p11.2.
Variant type: single nucleotide variant.
Coding change: c.1831G>A on transcript NM_000256.3 (MANE Select); coding-DNA position 1831, G replaced by A.
Protein change: p.Glu611Lys; replaces glutamic acid 611 with lysine.
Molecular consequence: missense variant.
Genome position (GRCh38, 1-based): chr11:47,341,204, C>T on the plus strand (G>A on the coding strand, the complement: MYBPC3 is on the minus strand). VCF-style: chr11-47341204-C-T. GRCh37 (hg19) VCF-style: chr11-47362755-C-T.
Other names: short protein forms E611K.
Identifiers: ClinVar variation 180955 (VCV000180955.72), dbSNP rs730880555, ClinGen allele CA011308.
Genomic context (GRCh38, chr11:47,341,204, plus strand): 5'-AGTGGAGCTTGGCTGACAGGTTGCAGGCGAAGCCCTCGGGCACAAAGCTGTAGTCAGCCT[C>T]GTCGGCAGGTGTGACGTCGTCAATGGTCAGTTTGTGGACCCTGCAGGGGAGCAGTGGCTC-3'
Protein context (NP_000247.2, residues 601-621): LTIDDVTPAD[Glu611Lys]ADYSFVPEGF

ClinVar aggregate classification (germline): Conflicting classifications of pathogenicity. Review status: criteria provided, conflicting classifications (1 of 4 stars). 17 submissions from 16 submitters: Pathogenic (1); Likely pathogenic (3); Uncertain significance (8). 5 of the submissions do not count toward it. Last evaluated 2026-01-21.

Conditions:
Cardiovascular phenotype. Identifiers: MedGen CN230736.
Cardiomyopathy (CMYO). Also called: Cardiomyopathies. Identifiers: Orphanet 167848, MedGen C0878544, MONDO:0004994, HP:0001638. Inheritance: Various modes of inheritance.
Hypertrophic cardiomyopathy 4. Also called: Familial hypertrophic cardiomyopathy 4. Identifiers: MedGen C1861862, MONDO:0007268, OMIM 115197.
Hypertrophic cardiomyopathy. Also called: HYPERTROPHIC MYOCARDIOPATHY. Identifiers: Orphanet 217569, MedGen C0007194, MeSH D002312, MONDO:0005045, HP:0001639.

Allele frequency attached by ClinVar (database versions not stated): TOPMed 0.00001; gnomAD 0.00005; gnomAD exomes 0.00001.
gnomAD v4.1: 25 of 1,599,660 alleles (0.0016%); highest among the groups gnomAD compares: South Asian, 0.0023%; no homozygotes.

Submissions 1 to 9 of 17:

Labcorp Genetics (formerly Invitae), Labcorp
Classification: Uncertain significance for Hypertrophic cardiomyopathy. Last evaluated: 2026-01-21. Review status: criteria provided, single submitter. Criteria: Invitae Variant Classification Sherloc (09022015). Collection method: clinical testing. Allele origin: germline.
Comment: This sequence change replaces glutamic acid, which is acidic and polar, with lysine, which is basic and polar, at codon 611 of the MYBPC3 protein (p.Glu611Lys). This variant is present in population databases (rs730880555, gnomAD 0.004%). This missense change has been observed in individuals with hypertrophic cardiomyopathy, dilated cardiomyopathy, or noncompaction cardiomyopathy (PMID: 21750094, 23054336, 23283745, 24111713, 29447731, 30847666, 31513939, 32369506, 36264615). ClinVar contains an entry for this variant (Variation ID: 180955). An algorithm developed to predict the effect of missense changes on protein structure and function (PolyPhen-2) suggests that this variant is likely to be disruptive. In summary, the available evidence is currently insufficient to determine the role of this variant in disease. Therefore, it has been classified as a Variant of Uncertain Significance.

Blueprint Genetics
Classification: Uncertain significance. Last evaluated: 2024-10-03. Review status: criteria provided, single submitter. Criteria: ACMG Guidelines, 2015. Collection method: clinical testing. Allele origin: germline.

CeGaT Center for Human Genetics Tuebingen
Classification: Uncertain significance. Last evaluated: 2024-07-01. Review status: criteria provided, single submitter. Criteria: CeGaT Center For Human Genetics Tuebingen Variant Classification Criteria Version 2. Collection method: clinical testing. Allele origin: germline. Affected: yes. Observed: 2 variant alleles.
Comment: MYBPC3: PS4:Moderate, PM2:Supporting

All of Us Research Program, National Institutes of Health
Classification: Uncertain significance for Hypertrophic cardiomyopathy. Last evaluated: 2024-05-14. Review status: criteria provided, single submitter. Criteria: ACMG Guidelines, 2015. Collection method: clinical testing. Allele origin: germline. Inheritance: Autosomal dominant inheritance. Observed: 6 variant alleles, 6 heterozygotes.
Comment: This missense variant replaces glutamic acid with lysine at codon 611 of the MYBPC3 protein. Computational prediction is inconclusive regarding the impact of this variant on protein structure and function (internally defined REVEL score threshold 0.5 < inconclusive < 0.7, PMID: 27666373). To our knowledge, functional studies have not been reported for this variant. This variant has been reported in individuals affected with hypertrophic cardiomyopathy (PMID: PMID: 23054336, 23283745, 24111713, 28971120, 30297972, 30847666, 31513939, 32369506). One of these individuals also carried a different pathogenic variant in the MYBPC3 gene (PMID: 23054336). It has also been reported in an individual affected with dilated cardiomyopathy (PMID: 21750094), an individual affected with noncompaction cardiomyopathy (PMID: 29447731), and in an individual affected with an unspecified cardiomyopathy (PMID: 30847666). This variant has been identified in 6/255294 chromosomes in the general population by the Genome Aggregation Database (gnomAD). The available evidence is insufficient to determine the role of this variant in disease conclusively. Therefore, this variant is classified as a Variant of Uncertain Significance.

This study involves interpretation of variants in research participants for the purpose of population health screening. Participant phenotype was not available at the time of variant classification. Additional details can be found in publication PMID: 35346344, PMCID: PMC8962531

Color Diagnostics, LLC DBA Color Health
Classification: Uncertain significance for Cardiomyopathy. Last evaluated: 2024-04-26. Review status: criteria provided, single submitter. Criteria: ACMG Guidelines, 2015. Collection method: clinical testing. Allele origin: germline.
Comment: This missense variant replaces glutamic acid with lysine at codon 611 of the MYBPC3 protein. Computational prediction tools indicate that this variant has a deleterious impact on protein structure and function. To our knowledge, functional studies have not been reported for this variant. This variant has been reported in individuals affected with hypertrophic cardiomyopathy (PMID: 23054336, 23283745, 24111713, 28971120, 30297972, 30847666, 31513939, 32369506, 33495596). One of these individuals also carried a different pathogenic truncation variant in the MYBPC3 gene (PMID: 23054336). It has also been reported in one individual affected with dilated cardiomyopathy (PMID: 21750094), in one individual affected with noncompaction cardiomyopathy (PMID: 29447731), and in one individual affected with an unspecified cardiomyopathy (PMID: 30847666). This variant has been identified in 6/255294 chromosomes in the general population by the Genome Aggregation Database (gnomAD). The available evidence is insufficient to determine the role of this variant in disease conclusively. Therefore, this variant is classified as a Variant of Uncertain Significance.

Ambry Genetics
Classification: Uncertain significance for Cardiovascular phenotype. Last evaluated: 2023-08-03. Review status: criteria provided, single submitter. Criteria: Ambry Variant Classification Scheme 2023. Collection method: clinical testing. Allele origin: germline.
Comment: The p.E611K variant (also known as c.1831G>A), located in coding exon 19 of the MYBPC3 gene, results from a G to A substitution at nucleotide position 1831. The glutamic acid at codon 611 is replaced by lysine, an amino acid with similar properties. This alteration has been reported in multiple hypertrophic cardiomyopathy cohorts, a dilated cardiomyopathy cohort, and a noncompaction cardiomyopathy cohort; however, clinical details were limited and several had additional cardiac variants reported, including at least one patient who was also heterozygous for a pathogenic MYBPC3 alteration (Waldm&uuml;ller S et al. Eur. J. Heart Fail., 2011 Nov;13:1185-92; Miller EM et al. J Genet Couns, 2013 Apr;22:258-67; Zou Y et al. Mol. Biol. Rep., 2013 Jun;40:3969-76; Berge KE et al. Clin. Genet., 2014 Oct;86:355-60; Ho CY et al. Circulation, 2018 Oct;138:1387-1398; van Waning JI et al. J. Am. Coll. Cardiol., 2018 Feb;71:711-722; van Lint FHM et al. Neth Heart J, 2019 Jun;27:304-309; Robyns T et al. Eur J Med Genet, 2020 Mar;63:103754; Nijenkamp LLAM et al. PLoS One, 2020 May;15:e0232427). This amino acid position is highly conserved in available vertebrate species. In addition, this alteration is predicted to be deleterious by in silico analysis. Since supporting evidence is limited at this time, the clinical significance of this alteration remains unclear.

CHEO Genetics Diagnostic Laboratory, Children's Hospital of Eastern Ontario
Classification: Likely pathogenic for Cardiomyopathy. Last evaluated: 2023-05-16. Review status: criteria provided, single submitter. Criteria: ACMG Guidelines, 2015. Collection method: clinical testing. Allele origin: germline.

Laboratory for Molecular Medicine, Mass General Brigham Personalized Medicine
Classification: Uncertain significance. Last evaluated: 2019-02-07. Review status: criteria provided, single submitter. Criteria: LMM Criteria. Collection method: clinical testing. Allele origin: germline. Observed: 1 variant allele.
Comment: The p.Glu611Lys variant in MYBPC3 has been reported in 2 individuals with HCM (Miller 2013, Zou 2013), in 1 individual with DCM (Waldmuller 2011) and in 1 individual with non compaction cardiomyopathy (Waning 2018). Of note, one of these individuals with HCM also carried a pathogenic variant in MYBPC3 (Miller 2013). It is present in CLinVar (ID 180955) (conflicting interpretations). The p.Glu611Lys variant was also identified in 1/27268 of South Asian chromosomes in gnomAD. Computational prediction tools and conservation analysis suggest that the p.Glu611Lys variant may impact the protein, though this information is not predictive enough to determine pathogenicity. In summary, the clinical significance of the p.Glu611Lys variant is uncertain.

Center for Human Genetics, University of Leuven
Classification: Uncertain significance for Hypertrophic cardiomyopathy. Last evaluated: 2018-10-31. Review status: criteria provided, single submitter. Criteria: ACMG Guidelines, 2015. Collection method: clinical testing. Allele origin: germline. Affected: yes.